The following is an entry in ClinVar:

ClinVar aggregate classification (germline): Pathogenic (1 of 4 stars; one submission).

Submission:

Quest Diagnostics Nichols Institute San Juan Capistrano
Classification: Pathogenic. Last evaluated: 2024-05-01. Review status: criteria provided, single submitter. Criteria: ACMG/ClinGen CNV Guidelines, 2019. Collection method: clinical testing. Allele origin: unknown.
Comment: The copy number loss of Xp22.31 involves multiple protein-coding genes, including STS (OMIM 300747). Haploinsufficiency of STS is associated with X-linked ichthyosis (XLI; OMIM 308100; CCID:007950; Gubb 2020, Kent 2008, Myers 2020). There are no similar copy number losses of this region in the general populations of the Database of Genomic Variants. Thus, based on current medical literature and gene content, this copy number variant (CNV) is classified as pathogenic. References: Gubb et al., Hum Mol Genet. 2020 Oct 10;29(17):2872-2881. PMID: 32766777; Kent et al., J Med Genet. 2008 Aug;45(8):519-24. PMID: 18413370; Myers et al., Pediatr Neurol. 2020 Jul;108:113-116. PMID: 32299744

GRCh37/hg19 Xp22.31(chrX:6455150-8135644)x1

Genes: PNPLA4 (patatin like phospholipase domain containing 4; minus strand), PUDP (pseudouridine 5'-phosphatase; minus strand), STS (steroid sulfatase; plus strand), VCX (variable charge X-linked; plus strand). Cytogenetic location: Xp22.31.
Variant type: copy number loss.
Change: copy number 1 of chrX:6,455,150-8,135,644 (1.68 Mb, GRCh37 coordinates, 1-based), cytogenetic band Xp22.31.
Identifiers: ClinVar variation 2685691 (VCV002685691.1).